The following is an entry in ClinVar:

ClinVar aggregate classification (germline): Likely benign. Review status: criteria provided, multiple submitters, no conflicts (2 of 4 stars). 2 submissions from 2 submitters: Likely benign (2). Last evaluated 2025-05-06.

Conditions:
Early-infantile DEE. Also called: Ohtahara syndrome; Early infantile epileptic encephalopathy with suppression bursts; Early infantile epileptic encephalopathy. Identifiers: Orphanet 1934, MedGen C0393706, MONDO:0800491.

Allele frequency attached by ClinVar (database versions not stated): gnomAD 0.00001; gnomAD exomes 0.00001; ExAC 0.00003; TOPMed 0.00003.
gnomAD v4.1: 16 of 1,613,896 alleles (0.00099%); highest among the groups gnomAD compares: East Asian, 0.0045%; no homozygotes.

Submissions (2):

Mayo Clinic Laboratories, Mayo Clinic
Classification: Likely benign. Last evaluated: 2025-05-06. Review status: criteria provided, single submitter. Criteria: ACMG Guidelines, 2015. Collection method: clinical testing. Allele origin: germline. Observed: 1 variant allele.
Comment: BP4, BP7

Labcorp Genetics (formerly Invitae), Labcorp
Classification: Likely benign for Early-infantile DEE. Last evaluated: 2025-01-06. Review status: criteria provided, single submitter. Criteria: Invitae Variant Classification Sherloc (09022015). Collection method: clinical testing. Allele origin: germline.

NM_001330260.2(SCN8A):c.4173C>T (p.Asn1391=)

Gene: SCN8A (sodium voltage-gated channel alpha subunit 8; plus strand). Cytogenetic location: 12q13.13.
Variant type: single nucleotide variant.
Coding change: c.4173C>T on transcript NM_001330260.2 (MANE Select); coding-DNA position 4173, C replaced by T.
Protein change: p.Asn1391=; no amino-acid change (asparagine 1391 retained).
Molecular consequence: synonymous variant.
Genome position (GRCh38, 1-based): chr12:51,786,772, C>T. VCF-style: chr12-51786772-C-T. GRCh37 (hg19) VCF-style: chr12-52180556-C-T.
Other names: p.Asn1391=; c.4050C>T, p.Asn1350= (NM_001177984.3, NM_001369788.1); c.4173C>T, p.Asn1391= (NM_014191.4).
Identifiers: ClinVar variation 2170507 (VCV002170507.5), dbSNP rs746214454, ClinGen allele CA6571757.
Genomic context (GRCh38, chr12:51,786,772, plus strand): 5'-CAATAAAACTGAATGTGAAAAGCTTATGGAGGGGAACAATACAGAGATCAGATGGAAGAA[C>T]GTGAAGATCAACTTTGACAATGTTGGGGCAGGATACCTGGCCCTTCTTCAAGTAGTAAGT-3'
Protein context (NP_001317189.1, residues 1381-1401): EGNNTEIRWK[Asn1391=]VKINFDNVGA